The following is an entry in ClinVar:

ClinVar aggregate classification (germline): Benign (1 of 4 stars; one submission).

Allele frequency attached by ClinVar (database versions not stated): 1000 Genomes Project 30x 0.75718; TOPMed 0.75921; 1000 Genomes Project 0.76518; gnomAD 0.76896 and 0.77909.
gnomAD v4.1: 118,678 of 152,042 alleles (78%); highest among the groups gnomAD compares: East Asian, 96%; 50,395 homozygotes.

Submission:

GeneDx
Classification: Benign. Last evaluated: 2018-06-19. Review status: criteria provided, single submitter. Criteria: GeneDx Variant Classification (06012015). Collection method: clinical testing. Allele origin: germline. Affected: yes.
Comment: This variant is considered likely benign or benign based on one or more of the following criteria: it is a conservative change, it occurs at a poorly conserved position in the protein, it is predicted to be benign by multiple in silico algorithms, and/or has population frequency not consistent with disease.

NM_025114.4(CEP290):c.942+271A>G

Gene: CEP290 (centrosomal protein 290; minus strand). Cytogenetic location: 12q21.32.
Variant type: single nucleotide variant.
Coding change: c.942+271A>G on transcript NM_025114.4 (MANE Select); 271 bases into the intron after coding-DNA position 942, A replaced by G.
Molecular consequence: intron variant.
Genome position (GRCh38, 1-based): chr12:88,128,675, T>C on the plus strand (A>G on the coding strand, the complement: CEP290 is on the minus strand). VCF-style: chr12-88128675-T-C. GRCh37 (hg19) VCF-style: chr12-88522452-T-C.
Identifiers: ClinVar variation 680377 (VCV000680377.1), dbSNP rs2471520, ClinGen allele CA13747578.